The following is an entry in ClinVar:

NM_001271696.3(ABCB7):c.460A>C (p.Asn154His)

Gene: ABCB7 (ATP binding cassette subfamily B member 7; minus strand). Cytogenetic location: Xq13.3.
Variant type: single nucleotide variant.
Coding change: c.460A>C on transcript NM_001271696.3 (MANE Select); coding-DNA position 460, A replaced by C.
Protein change: p.Asn154His; replaces asparagine 154 with histidine.
Molecular consequence: missense variant.
Genome position (GRCh38, 1-based): chrX:75,076,648, T>G on the plus strand (A>C on the coding strand, the complement: ABCB7 is on the minus strand). VCF-style: chrX-75076648-T-G. GRCh37 (hg19) VCF-style: chrX-74296483-T-G.
Other names: c.340A>C, p.Asn114His (NM_001271697.3); c.382A>C, p.Asn128His (NM_001271698.3); c.343A>C, p.Asn115His (NM_001271699.3); c.463A>C, p.Asn155His (NM_004299.6); short protein forms N114H, N128H, N115H, N154H, N155H.
Identifiers: ClinVar variation 4723578 (VCV004723578.1).

ClinVar aggregate classification (germline): Uncertain significance (1 of 4 stars; one submission).

Submission:

Labcorp Genetics (formerly Invitae), Labcorp
Classification: Uncertain significance. Last evaluated: 2025-07-20. Review status: criteria provided, single submitter. Criteria: Invitae Variant Classification Sherloc (09022015). Collection method: clinical testing. Allele origin: germline.
Comment: This sequence change replaces asparagine, which is neutral and polar, with histidine, which is basic and polar, at codon 155 of the ABCB7 protein (p.Asn155His). This variant is not present in population databases (gnomAD no frequency). This variant has not been reported in the literature in individuals affected with ABCB7-related conditions. An algorithm developed to predict the effect of missense changes on protein structure and function (PolyPhen-2) suggests that this variant is likely to be disruptive. In summary, the available evidence is currently insufficient to determine the role of this variant in disease. Therefore, it has been classified as a Variant of Uncertain Significance.